The following is an entry in ClinVar:

NM_001267550.2(TTN):c.3047_3055dup (p.Val1018_Asn1019insSerAlaVal)

Gene: TTN (titin; minus strand). Cytogenetic location: 2q31.2.
Variant type: Duplication.
Coding change: c.3047_3055dup on transcript NM_001267550.2 (MANE Select); coding-DNA positions 3047 to 3055, 9 bases duplicated (GTGCTGTAA; older notation c.3047_3055dupGTGCTGTAA).
Protein change: p.Val1018_Asn1019insSerAlaVal.
Molecular consequence: inframe insertion.
Genome position (GRCh38, 1-based): chr2:178,782,851-178,782,859, TTACAGCAC duplicated on the plus strand (GTGCTGTAA on the coding strand, the reverse complement: TTN is on the minus strand); duplicating any 9 consecutive bases within chr2:178,782,851-178,782,860 gives the same sequence; the c. name uses the placement nearest the transcript's 3' end. VCF-style (leftmost placement, unchanged base first): chr2-178782850-T-TTTACAGCAC. GRCh37 (hg19) VCF-style: chr2-179647577-T-TTTACAGCAC.
Other names: c.3047_3055dup, p.Val1018_Asn1019insSerAlaVal (NM_001256850.1, NM_133378.4, NM_133379.5); c.2909_2917dup, p.Val972_Asn973insSerAlaVal (NM_003319.4, NM_133432.3, NM_133437.4); c.2909_2917dupGTGCTGTAA (NM_003319.4).
Identifiers: ClinVar variation 1797536 (VCV001797536.2), dbSNP rs2533370537, ClinGen allele CA2580065196.

ClinVar aggregate classification (germline): Uncertain significance (1 of 4 stars; one submission).

Conditions:
Cardiovascular phenotype. Identifiers: MedGen CN230736.

Submission:

Ambry Genetics
Classification: Uncertain significance for Cardiovascular phenotype. Last evaluated: 2022-10-06. Review status: criteria provided, single submitter. Criteria: Ambry Variant Classification Scheme 2023. Collection method: clinical testing. Allele origin: germline.
Comment: The c.2909_2917dupGTGCTGTAA variant (also known as p.S970_V972dup), located in coding exon 16 of the TTN gene, results from an in-frame duplication of GTGCTGTAA at nucleotide positions 2909 to 2917. This results in the duplication of 3 extra residues (SAV) between codons 970 and 972. This amino acid position is not well conserved in available vertebrate species. In addition, this alteration is predicted to be deleterious by in silico analysis (Choi Y et al. PLoS ONE. 2012; 7(10):e46688). Since supporting evidence is limited at this time, the clinical significance of this alteration remains unclear.